The following is an entry in ClinVar:

ClinVar aggregate classification (germline): Uncertain significance (1 of 4 stars; one submission).

Conditions:
Hypertrophic cardiomyopathy. Also called: HYPERTROPHIC MYOCARDIOPATHY. Identifiers: Orphanet 217569, MedGen C0007194, MeSH D002312, MONDO:0005045, HP:0001639.

Submission:

Labcorp Genetics (formerly Invitae), Labcorp
Classification: Uncertain significance for Hypertrophic cardiomyopathy. Last evaluated: 2024-12-28. Review status: criteria provided, single submitter. Criteria: Invitae Variant Classification Sherloc (09022015). Collection method: clinical testing. Allele origin: germline.
Comment: This sequence change replaces lysine, which is basic and polar, with arginine, which is basic and polar, at codon 6 of the TPM1 protein (p.Lys6Arg). This variant is not present in population databases (gnomAD no frequency). This variant has not been reported in the literature in individuals affected with TPM1-related conditions. ClinVar contains an entry for this variant (Variation ID: 636534). An algorithm developed to predict the effect of missense changes on protein structure and function (PolyPhen-2) suggests that this variant is likely to be disruptive. In summary, the available evidence is currently insufficient to determine the role of this variant in disease. Therefore, it has been classified as a Variant of Uncertain Significance.

NM_001018005.2(TPM1):c.17A>G (p.Lys6Arg)

Gene: TPM1 (tropomyosin 1; plus strand). Cytogenetic location: 15q22.2.
Variant type: single nucleotide variant.
Coding change: c.17A>G on transcript NM_001018005.2 (MANE Select); coding-DNA position 17, A replaced by G.
Protein change: p.Lys6Arg; replaces lysine 6 with arginine.
Molecular consequence: missense variant.
Genome position (GRCh38, 1-based): chr15:63,042,846, A>G. VCF-style: chr15-63042846-A-G. GRCh37 (hg19) VCF-style: chr15-63335045-A-G.
Other names: c.17A>G, p.Lys6Arg (NM_000366.6, NM_001018004.2, NM_001018006.2 and 7 more transcripts); short protein forms K6R.
Identifiers: ClinVar variation 636534 (VCV000636534.3), dbSNP rs900504800, ClinGen allele CA272020110.